The following is an entry in ClinVar:

NM_000038.6(APC):c.4193G>A (p.Ser1398Asn)

Gene: APC (APC regulator of Wnt signaling pathway; plus strand). Cytogenetic location: 5q22.2.
Variant type: single nucleotide variant.
Coding change: c.4193G>A on transcript NM_000038.6 (MANE Select); coding-DNA position 4193, G replaced by A.
Protein change: p.Ser1398Asn; replaces serine 1398 with asparagine.
Molecular consequence: missense variant.
Genome position (GRCh38, 1-based): chr5:112,839,787, G>A. VCF-style: chr5-112839787-G-A. GRCh37 (hg19) VCF-style: chr5-112175484-G-A.
Other names: c.4193G>A, p.Ser1398Asn (NM_001354895.2, NM_001127510.3); c.4247G>A, p.Ser1416Asn (NM_001354896.2); c.4223G>A, p.Ser1408Asn (NM_001354897.2); c.4016G>A, p.Ser1339Asn (NM_001354901.2); c.3920G>A, p.Ser1307Asn (NM_001354902.2); c.3890G>A, p.Ser1297Asn (NM_001354903.2); c.4118G>A, p.Ser1373Asn (NM_001354898.2); c.4109G>A, p.Ser1370Asn (NM_001354899.2); and 5 more; short protein forms S1380N, S1398N, S1115N, S1339N, S1357N, S1370N, S1373N, S1416N.
Identifiers: ClinVar variation 572950 (VCV000572950.12), dbSNP rs1561590497, ClinGen allele CA16030521.

ClinVar aggregate classification (germline): Uncertain significance (1 of 4 stars; one submission).

Conditions:
Familial adenomatous polyposis 1 (FAP1). Also called: POLYPOSIS, ADENOMATOUS INTESTINAL; FAMILIAL ADENOMATOUS POLYPOSIS 1, ATTENUATED. Identifiers: MedGen C2713442, MONDO:0021056, OMIM 175100. Disease mechanism: loss of function.

Allele frequency attached by ClinVar (database versions not stated): gnomAD exomes below 0.00001.
gnomAD v4.1: 4 of 1,614,106 alleles (0.00025%); highest among the groups gnomAD compares: Non-Finnish European, 0.00034%; no homozygotes.

Submission:

Labcorp Genetics (formerly Invitae), Labcorp
Classification: Uncertain significance for Familial adenomatous polyposis 1. Last evaluated: 2023-09-06. Review status: criteria provided, single submitter. Criteria: Invitae Variant Classification Sherloc (09022015). Collection method: clinical testing. Allele origin: germline.
Comment: This sequence change replaces serine, which is neutral and polar, with asparagine, which is neutral and polar, at codon 1398 of the APC protein (p.Ser1398Asn). This variant is not present in population databases (gnomAD no frequency). This variant has not been reported in the literature in individuals affected with APC-related conditions. ClinVar contains an entry for this variant (Variation ID: 572950). Advanced modeling of protein sequence and biophysical properties (such as structural, functional, and spatial information, amino acid conservation, physicochemical variation, residue mobility, and thermodynamic stability) performed at Invitae indicates that this missense variant is not expected to disrupt APC protein function. In summary, the available evidence is currently insufficient to determine the role of this variant in disease. Therefore, it has been classified as a Variant of Uncertain Significance.